The following is an entry in ClinVar:

ClinVar aggregate classification (germline): Uncertain significance (1 of 4 stars; one submission).

Conditions:
Hereditary cancer-predisposing syndrome. Also called: Tumor predisposition; Hereditary Cancer Syndrome; Hereditary neoplastic syndrome; Neoplastic Syndromes, Hereditary. Identifiers: Orphanet 140162, MedGen C0027672, MeSH D009386, MONDO:0015356.

Submission:

Ambry Genetics
Classification: Uncertain significance for Hereditary cancer-predisposing syndrome. Last evaluated: 2024-04-03. Review status: criteria provided, single submitter. Criteria: Ambry Variant Classification Scheme 2023. Collection method: clinical testing. Allele origin: germline.
Comment: The p.W540* variant (also known as c.1619G>A), located in coding exon 4 of the MET gene, results from a G to A substitution at nucleotide position 1619. This changes the amino acid from a tryptophan to a stop codon within coding exon 4. This alteration is expected to result in protein truncation or nonsense-mediated mRNA decay. However, loss of function of MET has not been established as a mechanism of disease. Based on the available evidence, the clinical significance of this alteration remains unclear.

NM_000245.4(MET):c.1619G>A (p.Trp540Ter)

Gene: MET (MET proto-oncogene, receptor tyrosine kinase; plus strand). Cytogenetic location: 7q31.2.
Variant type: single nucleotide variant.
Coding change: c.1619G>A on transcript NM_000245.4 (MANE Select); coding-DNA position 1619, G replaced by A.
Protein change: p.Trp540Ter; replaces tryptophan 540 with a stop codon.
Molecular consequence: nonsense.
Genome position (GRCh38, 1-based): chr7:116,740,943, G>A. VCF-style: chr7-116740943-G-A. GRCh37 (hg19) VCF-style: chr7-116380997-G-A.
Other names: c.1619G>A, p.Trp540Ter (NM_001127500.3, NM_001324401.3); c.329G>A, p.Trp110Ter (NM_001324402.2); short protein forms W110*, W540*.
Identifiers: ClinVar variation 3294315 (VCV003294315.1).